The following is an entry in ClinVar:

ClinVar aggregate classification (germline): Uncertain significance. Review status: criteria provided, multiple submitters, no conflicts (2 of 4 stars). 2 submissions from 2 submitters: Uncertain significance (2). Last evaluated 2025-12-10.

Conditions:
Hereditary cancer-predisposing syndrome. Also called: Neoplastic Syndromes, Hereditary; Tumor predisposition; Hereditary Cancer Syndrome; Hereditary neoplastic syndrome. Identifiers: Orphanet 140162, MedGen C0027672, MeSH D009386, MONDO:0015356.
Neuroblastoma, susceptibility to, 3. Also called: ALK-Related Neuroblastic Tumor Susceptibility. Identifiers: Orphanet 635, MedGen C2751681, MONDO:0013083, OMIM 613014.

Allele frequency attached by ClinVar (database versions not stated): gnomAD 0.00001; gnomAD exomes 0.00001.
gnomAD v4.1: 16 of 1,613,418 alleles (0.00099%); highest among the groups gnomAD compares: Non-Finnish European, 0.0014%; no homozygotes.

Submissions (2):

Labcorp Genetics (formerly Invitae), Labcorp
Classification: Uncertain significance for Neuroblastoma, susceptibility to, 3. Last evaluated: 2025-12-10. Review status: criteria provided, single submitter. Criteria: Invitae Variant Classification Sherloc (09022015). Collection method: clinical testing. Allele origin: germline.
Comment: This sequence change replaces alanine, which is neutral and non-polar, with valine, which is neutral and non-polar, at codon 1043 of the ALK protein (p.Ala1043Val). This variant is not present in population databases (gnomAD no frequency). This variant has not been reported in the literature in individuals affected with ALK-related conditions. ClinVar contains an entry for this variant (Variation ID: 566619). An algorithm developed to predict the effect of missense changes on protein structure and function (PolyPhen-2) suggests that this variant is likely to be disruptive. In summary, the available evidence is currently insufficient to determine the role of this variant in disease. Therefore, it has been classified as a Variant of Uncertain Significance.

Ambry Genetics
Classification: Uncertain significance for Hereditary cancer-predisposing syndrome. Last evaluated: 2024-07-30. Review status: criteria provided, single submitter. Criteria: Ambry Variant Classification Scheme 2023. Collection method: clinical testing. Allele origin: germline.

NM_004304.5(ALK):c.3128C>T (p.Ala1043Val)

Gene: ALK (ALK receptor tyrosine kinase; minus strand). Cytogenetic location: 2p23.2.
Variant type: single nucleotide variant.
Coding change: c.3128C>T on transcript NM_004304.5 (MANE Select); coding-DNA position 3128, C replaced by T.
Protein change: p.Ala1043Val; replaces alanine 1043 with valine.
Molecular consequence: missense variant.
Genome position (GRCh38, 1-based): chr2:29,225,505, G>A on the plus strand (C>T on the coding strand, the complement: ALK is on the minus strand). VCF-style: chr2-29225505-G-A. GRCh37 (hg19) VCF-style: chr2-29448371-G-A.
Other names: short protein forms A1043V.
Identifiers: ClinVar variation 566619 (VCV000566619.15), dbSNP rs757521797, ClinGen allele CA44633215.
Genomic context (GRCh38, chr2:29,225,505, plus strand): 5'-GGCTCTGTGCACTCACCAATCATGATGCCGGAGAAAGCCAGGACCAGGGCGGCCACGAGG[G>A]CAGAGGTCACCACAGAGAGGATCAGCGAGAGTGGCAGGTGTGGCTCCGGGGTGGGTGACA-3'
Protein context (NP_004295.2, residues 1033-1053): LSLILSVVTS[Ala1043Val]LVAALVLAFS